The following is an entry in ClinVar:

ClinVar aggregate classification (germline): Uncertain significance (1 of 4 stars; one submission).

Submission:

Labcorp Genetics (formerly Invitae), Labcorp
Classification: Uncertain significance. Last evaluated: 2024-06-29. Review status: criteria provided, single submitter. Criteria: Invitae Variant Classification Sherloc (09022015). Collection method: clinical testing. Allele origin: germline.
Comment: This sequence change replaces cysteine, which is neutral and slightly polar, with tyrosine, which is neutral and polar, at codon 79 of the EIF2AK4 protein (p.Cys79Tyr). This variant is not present in population databases (gnomAD no frequency). This variant has not been reported in the literature in individuals affected with EIF2AK4-related conditions. Advanced modeling of protein sequence and biophysical properties (such as structural, functional, and spatial information, amino acid conservation, physicochemical variation, residue mobility, and thermodynamic stability) performed at Invitae indicates that this missense variant is not expected to disrupt EIF2AK4 protein function with a negative predictive value of 95%. In summary, the available evidence is currently insufficient to determine the role of this variant in disease. Therefore, it has been classified as a Variant of Uncertain Significance.

NM_001013703.4(EIF2AK4):c.236G>A (p.Cys79Tyr)

Gene: EIF2AK4 (eukaryotic translation initiation factor 2 alpha kinase 4; plus strand). Cytogenetic location: 15q15.1.
Variant type: single nucleotide variant.
Coding change: c.236G>A on transcript NM_001013703.4 (MANE Select); coding-DNA position 236, G replaced by A.
Protein change: p.Cys79Tyr; replaces cysteine 79 with tyrosine.
Molecular consequence: missense variant.
Genome position (GRCh38, 1-based): chr15:39,939,596, G>A. VCF-style: chr15-39939596-G-A. GRCh37 (hg19) VCF-style: chr15-40231797-G-A.
Other names: short protein forms C79Y.
Identifiers: ClinVar variation 3636587 (VCV003636587.2).